The following is an entry in ClinVar:

NM_001371928.1(AHDC1):c.322C>T (p.Arg108Ter)

Gene: AHDC1 (AT-hook DNA binding motif containing 1; minus strand). Cytogenetic location: 1p36.11.
Variant type: single nucleotide variant.
Coding change: c.322C>T on transcript NM_001371928.1 (MANE Select); coding-DNA position 322, C replaced by T.
Protein change: p.Arg108Ter; replaces arginine 108 with a stop codon.
Molecular consequence: nonsense.
Genome position (GRCh38, 1-based): chr1:27,551,794, G>A on the plus strand (C>T on the coding strand, the complement: AHDC1 is on the minus strand). VCF-style: chr1-27551794-G-A. GRCh37 (hg19) VCF-style: chr1-27878305-G-A.
Other names: NP_001025053.1:p.(Arg108*); c.322C>T, p.Arg108Ter (NM_001029882.3); short protein forms R108*.
Identifiers: ClinVar variation 4820037 (VCV004820037.1), dbSNP rs1339889142.

ClinVar aggregate classification (germline): Likely pathogenic (1 of 4 stars; one submission).

Conditions:
AHDC1-related intellectual disability - obstructive sleep apnea - mild dysmorphism syndrome. Also called: Xia-Gibbs syndrome. Identifiers: Orphanet 412069, MedGen C4014419, MONDO:0014358, OMIM 615829.

Submission:

Umrani?ye Training and Research Hospital
Classification: Likely pathogenic for AHDC1-related intellectual disability - obstructive sleep apnea - mild dysmorphism syndrome. Last evaluated: 2026-03-23. Review status: criteria provided, single submitter. Criteria: ACMG Guidelines, 2015. Collection method: provider interpretation. Allele origin: de novo. Inheritance: Autosomal dominant inheritance. Affected: yes. Observed: 1 variant allele.
Comment: PVS1,PM2,PM6

Literature cited by the submitters: PubMed 42136190.